The following is an entry in ClinVar:

NM_000540.3(RYR1):c.13940T>A (p.Leu4647Gln)

Gene: RYR1 (ryanodine receptor 1; plus strand). Cytogenetic location: 19q13.2.
Variant type: single nucleotide variant.
Coding change: c.13940T>A on transcript NM_000540.3 (MANE Select); coding-DNA position 13940, T replaced by A.
Protein change: p.Leu4647Gln; replaces leucine 4647 with glutamine.
Molecular consequence: missense variant.
Genome position (GRCh38, 1-based): chr19:38,572,212, T>A. VCF-style: chr19-38572212-T-A. GRCh37 (hg19) VCF-style: chr19-39062852-T-A.
Other names: c.13925T>A, p.Leu4642Gln (NM_001042723.2); short protein forms L4642Q, L4647Q.
Identifiers: ClinVar variation 3233239 (VCV003233239.2), dbSNP rs1555801902.

ClinVar aggregate classification (germline): Likely pathogenic (1 of 4 stars; one submission).

Conditions:
Centronuclear myopathy (CNM). Also called: Centronuclear myopathy, congenital; Myotubular myopathy. Identifiers: Orphanet 595, MedGen C0175709, MONDO:0018947. Inheritance: All.

Submission:

Muscle and Diseases Team, Institut de Génétique et Biologie Moléculaire et Cellulaire
Classification: Likely pathogenic for Centronuclear myopathy. Last evaluated: 2024-03-01. Review status: criteria provided, single submitter. Criteria: ACMG Guidelines, 2015. Collection method: research. Allele origin: unknown. Affected: yes. Observed: 1 variant allele.
Comment: PM1+PM2+PM5+PP2+PP3

Literature cited by the submitters: DOI 10.1186/s13073-024-01353-0.